The following is an entry in ClinVar:

ClinVar aggregate classification (germline): Pathogenic. Review status: criteria provided, multiple submitters, no conflicts (2 of 4 stars). 6 submissions from 4 submitters: Pathogenic (3). 3 of the submissions do not count toward it. Last evaluated 2025-10-07.

Conditions:
DSPP-related disorders.
Monogenic hearing loss.
Dentinogenesis imperfecta type 2 (DGI1). Also called: Dentinogenesis imperfecta without osteogenesis imperfecta; CAPDEPONT TEETH; Hereditary Opalescent Dentin; OPALESCENT DENTIN; OPALESCENT TEETH WITHOUT OSTEOGENESIS IMPERFECTA; Dentinogenesis imperfecta - Shield's type II. Identifiers: Orphanet 166260, MedGen C2973527, MONDO:0007441, OMIM 125490. Disease mechanism: loss of function.
Deafness, autosomal dominant nonsyndromic sensorineural 39, with dentinogenesis imperfecta 1. Identifiers: MedGen C4016014.
Dentinogenesis imperfecta type 3 (DGI-III). Also called: BRANDYWINE TYPE DENTINOGENESIS IMPERFECTA; Dentinogenesis imperfecta - Shield's type III. Identifiers: Orphanet 166265, MedGen C0399378, MONDO:0007442, OMIM 125500. Disease mechanism: loss of function.

Allele frequency attached by ClinVar (database versions not stated): gnomAD exomes below 0.00001.
gnomAD v4.1: 3 of 1,613,584 alleles (0.00019%); highest among the groups gnomAD compares: South Asian, 0.0011%; no homozygotes.

Submissions (6):

Genetics Laboratory, Great Ormond Street Hospital NHS Foundation Trust, North Thames Genomic Laboratory Hub
Classification: Pathogenic for Monogenic hearing loss. Last evaluated: 2025-10-07. Review status: criteria provided, single submitter. Criteria: ACGS Best Practice Guidelines for Variant Classification in Rare Disease 2024 v1.2. Collection method: clinical testing. Allele origin: germline. Affected: yes.
Comment: PVS1_moderate, PP1_very-strong, PM6_moderate, PP4_supporting

Reference Center For Rare Oral And Dental Diseases, CRMR O-Rares, Hôpitaux Universitaires De Strasbourg
Classification: Pathogenic for Dentinogenesis imperfecta type 2. Last evaluated: 2025-09-03. Review status: criteria provided, single submitter. Criteria: ACMG Guidelines, 2015. Collection method: clinical testing. Allele origin: inherited. Inheritance: Autosomal dominant inheritance. Affected: yes. Observed: 10 variant alleles.
Comment: PM5, PP3, PM2, PP1, PP5 (5)

Blueprint Genetics
Classification: Pathogenic for DSPP-related disorders. Last evaluated: 2024-09-16. Review status: criteria provided, single submitter. Criteria: ACMG Guidelines, 2015. Collection method: clinical testing. Allele origin: germline. Affected: yes. Observed: 4 variant alleles.

OMIM
Classification: Pathogenic for DEAFNESS, AUTOSOMAL DOMINANT NONSYNDROMIC SENSORINEURAL 39, WITH DENTINOGENESIS IMPERFECTA 1. Last evaluated: 2012-06-01. Review status: no assertion criteria provided. Collection method: literature only. Allele origin: germline. Not counted in ClinVar's aggregate classification.

OMIM
Classification: Pathogenic for DENTINOGENESIS IMPERFECTA, SHIELDS TYPE II. Last evaluated: 2012-06-01. Review status: no assertion criteria provided. Collection method: literature only. Allele origin: germline. Not counted in ClinVar's aggregate classification.

OMIM
Classification: Pathogenic for DENTINOGENESIS IMPERFECTA, SHIELDS TYPE III. Last evaluated: 2012-06-01. Review status: no assertion criteria provided. Collection method: literature only. Allele origin: germline. Not counted in ClinVar's aggregate classification.

Literature cited by the submitters: DOI 10.1038/84848 (cited by Reference Center For Rare Oral And Dental Diseases, CRMR O-Rares, Hôpitaux Universitaires De Strasbourg); PubMed 11175790 (cited by OMIM); PubMed 15592686 (cited by OMIM); PubMed 22392858 (cited by OMIM).

NM_014208.3(DSPP):c.52G>T (p.Val18Phe)

Genes: DMP1-AS1 (DMP1 and DSPP antisense RNA 1; minus strand), DSPP (dentin sialophosphoprotein; plus strand). Cytogenetic location: 4q22.1.
Variant type: single nucleotide variant.
Coding change: c.52G>T on transcript NM_014208.3 (MANE Select); coding-DNA position 52, G replaced by T.
Protein change: p.Val18Phe; replaces valine 18 with phenylalanine.
Molecular consequence: missense variant.
Genome position (GRCh38, 1-based): chr4:87,612,105, G>T. VCF-style: chr4-87612105-G-T. GRCh37 (hg19) VCF-style: chr4-88533257-G-T.
Other names: c.52G>T, p.Val18Phe (LRG_1242t1); short protein forms V18F.
Identifiers: ClinVar variation 16856 (VCV000016856.3), dbSNP rs121912987, ClinGen allele CA126927.